The following is an entry in ClinVar:

NM_014370.4(SRPK3):c.1356+3A>C

Gene: SRPK3 (SRSF protein kinase 3; plus strand). Cytogenetic location: Xq28.
Variant type: single nucleotide variant.
Coding change: c.1356+3A>C on transcript NM_014370.4 (MANE Select); 3 bases into the intron after coding-DNA position 1356, A replaced by C.
Molecular consequence: intron variant.
Genome position (GRCh38, 1-based): chrX:153,784,860, A>C. VCF-style: chrX-153784860-A-C. GRCh37 (hg19) VCF-style: chrX-153050315-A-C.
Other names: c.1353+3A>C (NM_001170760.2); c.1254+3A>C (NM_001170761.2).
Identifiers: ClinVar variation 3600669 (VCV003600669.1).

ClinVar aggregate classification (germline): Uncertain significance (1 of 4 stars; one submission).

Submission:

GeneDx
Classification: Uncertain significance. Last evaluated: 2022-11-05. Review status: criteria provided, single submitter. Criteria: GeneDx Variant Classification Process June 2021. Collection method: clinical testing. Allele origin: germline. Affected: yes.
Comment: Not observed at significant frequency in large population cohorts (gnomAD); In silico analysis supports a deleterious effect on splicing; Has not been previously published as pathogenic or benign to our knowledge; Variants in candidate genes are classified as variants of uncertain significance in accordance with ACMG guidelines (Richards et al., 2015)